The following is an entry in ClinVar:

ClinVar aggregate classification (germline): Likely benign. Review status: criteria provided, multiple submitters, no conflicts (2 of 4 stars). 2 submissions from 2 submitters: Likely benign (2). Last evaluated 2026-01-19.

Conditions:
Epilepsy. Also called: Seizure disorder. Identifiers: MedGen C0014544, MeSH D004827, MONDO:0005027.

Allele frequency attached by ClinVar (database versions not stated): TOPMed below 0.00001; gnomAD 0.00001; gnomAD exomes 0.00001.

Submissions (2):

Labcorp Genetics (formerly Invitae), Labcorp
Classification: Likely benign for Epilepsy. Last evaluated: 2026-01-19. Review status: criteria provided, single submitter. Criteria: Invitae Variant Classification Sherloc (09022015). Collection method: clinical testing. Allele origin: germline.

CeGaT Center for Human Genetics Tuebingen
Classification: Likely benign. Last evaluated: 2026-01-01. Review status: criteria provided, single submitter. Criteria: CeGaT Center For Human Genetics Tuebingen Variant Classification Criteria Version 2. Collection method: clinical testing. Allele origin: germline. Affected: yes. Observed: 1 variant allele.
Comment: PIGQ: BP4, BP7

NM_004204.5(PIGQ):c.303C>T (p.Gly101=)

Gene: PIGQ (phosphatidylinositol glycan anchor biosynthesis class Q; plus strand). Cytogenetic location: 16p13.3.
Variant type: single nucleotide variant.
Coding change: c.303C>T on transcript NM_004204.5 (MANE Select); coding-DNA position 303, C replaced by T.
Protein change: p.Gly101=; no amino-acid change (glycine 101 retained).
Molecular consequence: synonymous variant.
Genome position (GRCh38, 1-based): chr16:574,377, C>T. VCF-style: chr16-574377-C-T. GRCh37 (hg19) VCF-style: chr16-624377-C-T.
Other names: c.303C>T, p.Gly101= (NM_148920.4).
Identifiers: ClinVar variation 2151621 (VCV002151621.8), dbSNP rs1001165187, ClinGen allele CA276482025.